The following is an entry in ClinVar:

NM_004100.5(EYA4):c.1685A>G (p.Tyr562Cys)

Genes: EYA4 (EYA transcriptional coactivator and phosphatase 4; plus strand), TARID (TCF21 antisense RNA inducing promoter demethylation; minus strand). Cytogenetic location: 6q23.2.
Variant type: single nucleotide variant.
Coding change: c.1685A>G on transcript NM_004100.5 (MANE Select); coding-DNA position 1685, A replaced by G.
Protein change: p.Tyr562Cys; replaces tyrosine 562 with cysteine.
Molecular consequence: missense variant.
Genome position (GRCh38, 1-based): chr6:133,523,124, A>G. VCF-style: chr6-133523124-A-G. GRCh37 (hg19) VCF-style: chr6-133844262-A-G.
Other names: c.1523A>G, p.Tyr508Cys (NM_001301012.2); c.1703A>G, p.Tyr568Cys (NM_001301013.2); c.1616A>G, p.Tyr539Cys (NM_001370458.1, NM_172103.4); c.1541A>G, p.Tyr514Cys (NM_001370459.1); c.1685A>G, p.Tyr562Cys (NM_172105.4); short protein forms Y562C, Y508C, Y568C, Y539C, Y514C.
Identifiers: ClinVar variation 191666 (VCV000191666.14), dbSNP rs199621266, ClinGen allele CA237196.

ClinVar aggregate classification (germline): Uncertain significance. Review status: criteria provided, multiple submitters, no conflicts (2 of 4 stars). 3 submissions from 3 submitters: Uncertain significance (3). Last evaluated 2024-12-24.

Conditions:
Cardiovascular phenotype. Identifiers: MedGen CN230736.
Dilated cardiomyopathy 1J (CMD1J). Also called: CARDIOMYOPATHY, DILATED, WITH SENSORINEURAL HEARING LOSS, AUTOSOMAL DOMINANT. Identifiers: Orphanet 217622, MedGen C1854368, MONDO:0011541, OMIM 605362.

Allele frequency attached by ClinVar (database versions not stated): gnomAD 0.00001; ExAC 0.00002; gnomAD exomes 0.00002; TOPMed 0.00002; 1000 Genomes Project 30x 0.00016; 1000 Genomes Project 0.00020.
gnomAD v4.1: 26 of 1,612,156 alleles (0.0016%); highest among the groups gnomAD compares: East Asian, 0.018%; no homozygotes.

Submissions (3):

Labcorp Genetics (formerly Invitae), Labcorp
Classification: Uncertain significance for Dilated cardiomyopathy 1J. Last evaluated: 2024-12-24. Review status: criteria provided, single submitter. Criteria: Invitae Variant Classification Sherloc (09022015). Collection method: clinical testing. Allele origin: germline.
Comment: This sequence change replaces tyrosine, which is neutral and polar, with cysteine, which is neutral and slightly polar, at codon 562 of the EYA4 protein (p.Tyr562Cys). This variant is present in population databases (rs199621266, gnomAD 0.006%). This variant has not been reported in the literature in individuals affected with EYA4-related conditions. ClinVar contains an entry for this variant (Variation ID: 191666). Invitae Evidence Modeling of protein sequence and biophysical properties (such as structural, functional, and spatial information, amino acid conservation, physicochemical variation, residue mobility, and thermodynamic stability) indicates that this missense variant is expected to disrupt EYA4 protein function with a positive predictive value of 80%. In summary, the available evidence is currently insufficient to determine the role of this variant in disease. Therefore, it has been classified as a Variant of Uncertain Significance.

Ambry Genetics
Classification: Uncertain significance for Cardiovascular phenotype. Last evaluated: 2022-04-25. Review status: criteria provided, single submitter. Criteria: Ambry Variant Classification Scheme 2023. Collection method: clinical testing. Allele origin: germline.
Comment: The p.Y562C variant (also known as c.1685A>G), located in coding exon 17 of the EYA4 gene, results from an A to G substitution at nucleotide position 1685. The tyrosine at codon 562 is replaced by cysteine, an amino acid with highly dissimilar properties. This alteration has been reported as a secondary cardiac variant in an exome cohort; however, clinical details were limited (Ng D et al. Circ Cardiovasc Genet, 2013 Aug;6:337-46). This amino acid position is highly conserved in available vertebrate species. In addition, this alteration is predicted to be deleterious by in silico analysis. Since supporting evidence is limited at this time, the clinical significance of this alteration remains unclear.

Biesecker Lab/Clinical Genomics Section, National Institutes of Health
Classification: Uncertain significance. Last evaluated: 2013-06-24. Review status: criteria provided, single submitter. Criteria: Ng et al. (Circ Cardiovasc Genet. 2013). Collection method: research. Allele origin: unknown. Observed: 1 variant allele. Study: ClinSeq.
Comment: The study set was not selected for affection status in relation to any cancer. Pathogenicity categories were based on literature curation. See Pubmed ID:23861362 for details.

Medical sequencing

Literature cited by the submitters: PubMed 23861362 (cited by Ambry Genetics).